The following is an entry in ClinVar:

NM_002834.5(PTPN11):c.931A>T (p.Met311Leu)

Gene: PTPN11 (protein tyrosine phosphatase non-receptor type 11; plus strand). Cytogenetic location: 12q24.13.
Variant type: single nucleotide variant.
Coding change: c.931A>T on transcript NM_002834.5 (MANE Select); coding-DNA position 931, A replaced by T.
Protein change: p.Met311Leu; replaces methionine 311 with leucine.
Molecular consequence: missense variant.
Genome position (GRCh38, 1-based): chr12:112,477,728, A>T. VCF-style: chr12-112477728-A-T. GRCh37 (hg19) VCF-style: chr12-112915532-A-T.
Other names: c.931A>T, p.Met311Leu (NM_001330437.2, NM_080601.3); c.928A>T, p.Met310Leu (NM_001374625.1); short protein forms M310L, M311L.
Identifiers: ClinVar variation 3784965 (VCV003784965.1).

ClinVar aggregate classification (germline): Uncertain significance (1 of 4 stars; one submission).

Conditions:
Cardiovascular phenotype. Identifiers: MedGen CN230736.

gnomAD v4.1: 2 of 1,611,808 alleles (0.00012%); highest among the groups gnomAD compares: South Asian, 0.0011%; no homozygotes.

Submission:

Ambry Genetics
Classification: Uncertain significance for Cardiovascular phenotype. Last evaluated: 2025-02-09. Review status: criteria provided, single submitter. Criteria: Ambry Variant Classification Scheme 2023. Collection method: clinical testing. Allele origin: germline.
Comment: The p.M311L variant (also known as c.931A>T), located in coding exon 8 of the PTPN11 gene, results from an A to T substitution at nucleotide position 931. The methionine at codon 311 is replaced by leucine, an amino acid with highly similar properties. This amino acid position is conserved. In addition, the in silico prediction for this alteration is inconclusive. Based on the available evidence, the clinical significance of this variant remains unclear.